The following is an entry in ClinVar:

NM_024757.5(EHMT1):c.575_581del (p.Pro192fs)

Gene: EHMT1 (euchromatic histone lysine methyltransferase 1; plus strand). Cytogenetic location: 9q34.3.
Variant type: Deletion.
Coding change: c.575_581del on transcript NM_024757.5 (MANE Select); coding-DNA positions 575 to 581, 7 bases deleted (CGGCCCC; older notation c.575_581delCGGCCCC).
Protein change: p.Pro192fs; shifts the reading frame from proline 192.
Molecular consequence: frameshift variant.
Genome position (GRCh38, 1-based): chr9:137,717,115-137,717,121, CGGCCCC deleted; deleting any 7 consecutive bases within chr9:137,717,113-137,717,121 gives the same sequence; the c. name uses the placement nearest the transcript's 3' end. VCF-style (leftmost placement, unchanged base first): chr9-137717112-TCCCGGCC-T. GRCh37 (hg19) VCF-style: chr9-140611564-TCCCGGCC-T.
Other names: c.575_581del, p.Pro192fs (NM_001145527.2, NM_001354263.2, NM_001354611.2); c.482_488del, p.Pro161fs (NM_001354259.2, NM_001354612.2); short protein forms P161fs, P192fs.
Identifiers: ClinVar variation 1285498 (VCV001285498.1), dbSNP rs2135511963, ClinGen allele CA2499219809.

ClinVar aggregate classification (germline): Pathogenic (1 of 4 stars; one submission).

Conditions:
Kleefstra syndrome 1 (KLEFS1). Identifiers: Orphanet 261494, MedGen C0795833, MONDO:0027407, OMIM 610253.

Submission:

Institute of Human Genetics, University of Leipzig Medical Center
Classification: Pathogenic for Kleefstra syndrome 1. Last evaluated: 2021-01-19. Review status: criteria provided, single submitter. Criteria: ACMG Guidelines, 2015. Collection method: clinical testing. Allele origin: de novo. Affected: yes.
Comment: This variant was identified as de novo (maternity and paternity confirmed).